The following is an entry in ClinVar:

NM_001267550.2(TTN):c.56532C>T (p.Tyr18844=)

Genes: TTN-AS1 (TTN antisense RNA 1; plus strand), TTN (titin; minus strand). Cytogenetic location: 2q31.2.
Variant type: single nucleotide variant.
Coding change: c.56532C>T on transcript NM_001267550.2 (MANE Select); coding-DNA position 56532, C replaced by T.
Protein change: p.Tyr18844=; no amino-acid change (tyrosine 18844 retained).
Molecular consequence: synonymous variant.
Genome position (GRCh38, 1-based): chr2:178,599,261, G>A on the plus strand (C>T on the coding strand, the complement: TTN is on the minus strand). VCF-style: chr2-178599261-G-A. GRCh37 (hg19) VCF-style: chr2-179463988-G-A.
Other names: p.Tyr16276=; c.51609C>T, p.Tyr17203= (NM_001256850.1); c.29337C>T, p.Tyr9779= (NM_003319.4); c.48828C>T, p.Tyr16276= (NM_133378.4); c.29712C>T, p.Tyr9904= (NM_133432.3); c.29913C>T, p.Tyr9971= (NM_133437.4).
Identifiers: ClinVar variation 509607 (VCV000509607.7), dbSNP rs1345899259, ClinGen allele CA430268549.

ClinVar aggregate classification (germline): Likely benign. Review status: criteria provided, multiple submitters, no conflicts (2 of 4 stars). 4 submissions from 4 submitters: Likely benign (4). Last evaluated 2026-01-25.

Conditions:
Cardiovascular phenotype. Identifiers: MedGen CN230736.
Dilated cardiomyopathy 1G (CMD1G). Identifiers: Orphanet 154, MedGen C1858763, MONDO:0011400, OMIM 604145.
Autosomal recessive limb-girdle muscular dystrophy type 2J (LGMDR10). Also called: Limb-girdle muscular dystrophy, type 2J; MUSCULAR DYSTROPHY, LIMB-GIRDLE, AUTOSOMAL RECESSIVE 10. Identifiers: Orphanet 140922, MedGen C1837342, MONDO:0012127, OMIM 608807.

Allele frequency attached by ClinVar (database versions not stated): TOPMed below 0.00001; gnomAD 0.00001 and 0.00003; gnomAD exomes 0.00002.
gnomAD v4.1: 27 of 1,579,878 alleles (0.0017%); highest among the groups gnomAD compares: East Asian, 0.056%; no homozygotes.

Submissions (4):

Labcorp Genetics (formerly Invitae), Labcorp
Classification: Likely benign for Dilated cardiomyopathy 1G; Autosomal recessive limb-girdle muscular dystrophy type 2J. Last evaluated: 2026-01-25. Review status: criteria provided, single submitter. Criteria: Invitae Variant Classification Sherloc (09022015). Collection method: clinical testing. Allele origin: germline.

Mayo Clinic Laboratories, Mayo Clinic
Classification: Likely benign. Last evaluated: 2025-05-02. Review status: criteria provided, single submitter. Criteria: ACMG Guidelines, 2015. Collection method: clinical testing. Allele origin: germline. Observed: 1 variant allele.
Comment: BP4, BP7

Ambry Genetics
Classification: Likely benign for Cardiovascular phenotype. Last evaluated: 2023-12-12. Review status: criteria provided, single submitter. Criteria: Ambry Variant Classification Scheme 2023. Collection method: clinical testing. Allele origin: germline.

GeneDx
Classification: Likely benign. Last evaluated: 2017-05-11. Review status: criteria provided, single submitter. Criteria: GeneDx Variant Classification (06012015). Collection method: clinical testing. Allele origin: germline. Affected: yes.
Comment: This variant is considered likely benign or benign based on one or more of the following criteria: it is a conservative change, it occurs at a poorly conserved position in the protein, it is predicted to be benign by multiple in silico algorithms, and/or has population frequency not consistent with disease.